The following is an entry in ClinVar:

NM_018417.6(ADCY10):c.1633T>G (p.Leu545Val)

Gene: ADCY10 (adenylate cyclase 10; minus strand). Cytogenetic location: 1q24.2.
Variant type: single nucleotide variant.
Coding change: c.1633T>G on transcript NM_018417.6 (MANE Select); coding-DNA position 1633, T replaced by G.
Protein change: p.Leu545Val; replaces leucine 545 with valine.
Molecular consequence: missense variant.
Genome position (GRCh38, 1-based): chr1:167,861,047, A>C on the plus strand (T>G on the coding strand, the complement: ADCY10 is on the minus strand). VCF-style: chr1-167861047-A-C. GRCh37 (hg19) VCF-style: chr1-167830285-A-C.
Other names: c.1174T>G, p.Leu392Val (NM_001167749.3); c.1357T>G, p.Leu453Val (NM_001297772.2); short protein forms L545V, L453V, L392V.
Identifiers: ClinVar variation 3494350 (VCV003494350.2).

ClinVar aggregate classification (germline): Uncertain significance. Review status: criteria provided, multiple submitters, no conflicts (2 of 4 stars). 2 submissions from 2 submitters: Uncertain significance (2). Last evaluated 2025-05-18.

gnomAD v4.1: 10 of 1,614,106 alleles (0.00062%); highest among the groups gnomAD compares: East Asian, 0.02%; no homozygotes.

Submissions (2):

Labcorp Genetics (formerly Invitae), Labcorp
Classification: Uncertain significance. Last evaluated: 2025-05-18. Review status: criteria provided, single submitter. Criteria: Invitae Variant Classification Sherloc (09022015). Collection method: clinical testing. Allele origin: germline.
Comment: This sequence change replaces leucine, which is neutral and non-polar, with valine, which is neutral and non-polar, at codon 545 of the ADCY10 protein (p.Leu545Val). This variant is present in population databases (rs761128646, gnomAD 0.04%). This variant has not been reported in the literature in individuals affected with ADCY10-related conditions. ClinVar contains an entry for this variant (Variation ID: 3494350). An algorithm developed to predict the effect of missense changes on protein structure and function (PolyPhen-2) suggests that this variant is likely to be disruptive. In summary, the available evidence is currently insufficient to determine the role of this variant in disease. Therefore, it has been classified as a Variant of Uncertain Significance.

Ambry Genetics
Classification: Uncertain significance. Last evaluated: 2024-10-29. Review status: criteria provided, single submitter. Criteria: Ambry Variant Classification Scheme 2023. Collection method: clinical testing. Allele origin: germline.